The following is an entry in ClinVar:

ClinVar aggregate classification (germline): Likely benign. Review status: criteria provided, multiple submitters, no conflicts (2 of 4 stars). 4 submissions from 4 submitters: Likely benign (3). 1 of the submissions does not count toward it. Last evaluated 2024-11-27.

Conditions:
DNMT3A-related disorder. Also called: DNMT3A-related disorders; DNMT3A-related condition.
Inborn genetic diseases. Identifiers: MedGen C0950123, MeSH D030342.
Tatton-Brown-Rahman overgrowth syndrome. Also called: Tatton-Brown-Rahman syndrome; Tall stature-intellectual disability-facial dysmorphism syndrome. Identifiers: Orphanet 404443, MedGen C4014545, MONDO:0014382, OMIM 615879.

Allele frequency attached by ClinVar (database versions not stated): ExAC 0.00001; TOPMed 0.00001; gnomAD exomes 0.00002; gnomAD 0.00003.
gnomAD v4.1: 29 of 1,614,090 alleles (0.0018%); highest among the groups gnomAD compares: African/African-American, 0.0027%; no homozygotes.

Submissions (4):

Ambry Genetics
Classification: Likely benign for Inborn genetic diseases. Last evaluated: 2024-11-27. Review status: criteria provided, single submitter. Criteria: Ambry Variant Classification Scheme 2023. Collection method: clinical testing. Allele origin: germline.

Labcorp Genetics (formerly Invitae), Labcorp
Classification: Likely benign for Tatton-Brown-Rahman overgrowth syndrome. Last evaluated: 2024-04-16. Review status: criteria provided, single submitter. Criteria: Invitae Variant Classification Sherloc (09022015). Collection method: clinical testing. Allele origin: germline.

CeGaT Center for Human Genetics Tuebingen
Classification: Likely benign. Last evaluated: 2023-12-01. Review status: criteria provided, single submitter. Criteria: CeGaT Center For Human Genetics Tuebingen Variant Classification Criteria Version 2. Collection method: clinical testing. Allele origin: germline. Affected: yes. Observed: 1 variant allele.
Comment: DNMT3A: BP4, BP7

PreventionGenetics, part of Exact Sciences
Classification: Likely benign for DNMT3A-related condition. Last evaluated: 2023-10-24. Review status: no assertion criteria provided. Collection method: clinical testing. Allele origin: germline. Not counted in ClinVar's aggregate classification.
Comment: This variant is classified as likely benign based on ACMG/AMP sequence variant interpretation guidelines (Richards et al. 2015 PMID: 25741868, with internal and published modifications).

NM_022552.5(DNMT3A):c.1611C>T (p.Cys537=)

Gene: DNMT3A (DNA methyltransferase 3 alpha; minus strand). Cytogenetic location: 2p23.3.
Variant type: single nucleotide variant.
Coding change: c.1611C>T on transcript NM_022552.5 (MANE Select); coding-DNA position 1611, C replaced by T.
Protein change: p.Cys537=; no amino-acid change (cysteine 537 retained).
Molecular consequence: synonymous variant. On other transcripts: non-coding transcript variant (1).
Genome position (GRCh38, 1-based): chr2:25,244,596, G>A on the plus strand (C>T on the coding strand, the complement: DNMT3A is on the minus strand). VCF-style: chr2-25244596-G-A. GRCh37 (hg19) VCF-style: chr2-25467465-G-A.
Other names: c.1611C>T (NM_022552.3); c.1155C>T, p.Cys385= (NM_001320893.1); c.942C>T, p.Cys314= (NM_001375819.1); c.1044C>T, p.Cys348= (NM_153759.3); c.1611C>T, p.Cys537= (NM_175629.2).
Identifiers: ClinVar variation 2179729 (VCV002179729.27), dbSNP rs753754248, ClinGen allele CA1555928.
Genomic context (GRCh38, chr2:25,244,596, plus strand): 5'-TCACCTGCAGCAGTTGTTGTTTCCGCACATGAGCACCTCACGGCCCCCACAGCAGATGGT[G>A]CAGTAGGACTGGTAGCCGTCGTCGTCGTACTGGTACGCACACTCCAGAAAGCAGTTCTAG-3'
Protein context (NP_072046.2, residues 527-547): QYDDDGYQSY[Cys537=]TICCGGREVL